The following is an entry in ClinVar:

NM_000337.6(SGCD):c.354G>C (p.Gln118His)

Gene: SGCD (sarcoglycan delta; plus strand). Cytogenetic location: 5q33.3.
Variant type: single nucleotide variant.
Coding change: c.354G>C on transcript NM_000337.6 (MANE Select); coding-DNA position 354, G replaced by C.
Protein change: p.Gln118His; replaces glutamine 118 with histidine.
Molecular consequence: missense variant.
Genome position (GRCh38, 1-based): chr5:156,589,290, G>C. VCF-style: chr5-156589290-G-C. GRCh37 (hg19) VCF-style: chr5-156016300-G-C.
Other names: c.351G>C, p.Gln117His (NM_001128209.2); c.354G>C, p.Gln118His (NM_172244.3); short protein forms Q117H, Q118H.
Identifiers: ClinVar variation 1463714 (VCV001463714.6), dbSNP rs770930747, ClinGen allele CA362008690.

ClinVar aggregate classification (germline): Uncertain significance (1 of 4 stars; one submission).

Conditions:
Autosomal recessive limb-girdle muscular dystrophy type 2F (LGMDR6). Also called: MUSCULAR DYSTROPHY, LIMB-GIRDLE, AUTOSOMAL RECESSIVE 6; Muscular dystrophy limb-girdle with delta-sarcoglyan deficiency. Identifiers: Orphanet 219, MedGen C1832525, MONDO:0011028, OMIM 601287. Disease mechanism: Affects gamma-sarcoglycan and also disrupts the integrity of the entire sarcoglycan complex..

Submission:

Labcorp Genetics (formerly Invitae), Labcorp
Classification: Uncertain significance for Autosomal recessive limb-girdle muscular dystrophy type 2F. Last evaluated: 2021-09-15. Review status: criteria provided, single submitter. Criteria: Invitae Variant Classification Sherloc (09022015). Collection method: clinical testing. Allele origin: germline.
Comment: In summary, the available evidence is currently insufficient to determine the role of this variant in disease. Therefore, it has been classified as a Variant of Uncertain Significance. Algorithms developed to predict the effect of missense changes on protein structure and function (SIFT, PolyPhen-2, Align-GVGD) all suggest that this variant is likely to be tolerated. This variant has not been reported in the literature in individuals affected with SGCD-related conditions. This variant is not present in population databases (ExAC no frequency). This sequence change replaces glutamine with histidine at codon 118 of the SGCD protein (p.Gln118His). The glutamine residue is weakly conserved and there is a small physicochemical difference between glutamine and histidine.